The following is an entry in ClinVar:

ClinVar aggregate classification (germline): Uncertain significance. Review status: criteria provided, multiple submitters, no conflicts (2 of 4 stars). 2 submissions from 2 submitters: Uncertain significance (2). Last evaluated 2025-01-13.

Conditions:
Cardiovascular phenotype. Identifiers: MedGen CN230736.

Submissions (2):

Ambry Genetics
Classification: Uncertain significance for Cardiovascular phenotype. Last evaluated: 2025-01-13. Review status: criteria provided, single submitter. Criteria: Ambry Variant Classification Scheme 2023. Collection method: clinical testing. Allele origin: germline.
Comment: The p.E937Q variant (also known as c.2809G>C), located in coding exon 16 of the EPHB4 gene, results from a G to C substitution at nucleotide position 2809. The glutamic acid at codon 937 is replaced by glutamine, an amino acid with highly similar properties. This amino acid position is conserved. In addition, this alteration is predicted to be tolerated by in silico analysis. Based on the available evidence, the clinical significance of this variant remains unclear.

Centre of Medical Genetics, University Hospital Muenster
Classification: Uncertain significance. Last evaluated: 2023-01-23. Review status: criteria provided, single submitter. Criteria: ACMG Guidelines, 2015. Collection method: clinical testing. Allele origin: unknown. Affected: yes. Observed: 1 variant allele, 1 heterozygote.
Comment: ACMG categories: PM1,PM2

NM_004444.5(EPHB4):c.2809G>C (p.Glu937Gln)

Gene: EPHB4 (EPH receptor B4; minus strand). Cytogenetic location: 7q22.1.
Variant type: single nucleotide variant.
Coding change: c.2809G>C on transcript NM_004444.5 (MANE Select); coding-DNA position 2809, G replaced by C.
Protein change: p.Glu937Gln; replaces glutamic acid 937 with glutamine.
Molecular consequence: missense variant.
Genome position (GRCh38, 1-based): chr7:100,805,191, C>G on the plus strand (G>C on the coding strand, the complement: EPHB4 is on the minus strand). VCF-style: chr7-100805191-C-G. GRCh37 (hg19) VCF-style: chr7-100402813-C-G.
Other names: c.2809G>C (NM_004444.4); short protein forms E937Q.
Identifiers: ClinVar variation 2430300 (VCV002430300.3), dbSNP rs1812789265, ClinGen allele CA368566389.